The following is an entry in ClinVar:

ClinVar aggregate classification (germline): Likely benign. Review status: criteria provided, multiple submitters, no conflicts (2 of 4 stars). 4 submissions from 4 submitters: Likely benign (3). 1 of the submissions does not count toward it. Last evaluated 2026-01-24.

Conditions:
COL17A1-related disorder. Also called: COL17A1-related condition.

Allele frequency attached by ClinVar (database versions not stated): gnomAD exomes 0.00018 and 0.00056; ExAC 0.00065; 1000 Genomes Project 0.00120; 1000 Genomes Project 30x 0.00125; ESP Exome Variant Server 0.00192; gnomAD 0.00203 and 0.00229; TOPMed 0.00222.
gnomAD v4.1: 587 of 1,613,868 alleles (0.036%); highest among the groups gnomAD compares: African/African-American, 0.69%; no homozygotes.

Submissions (4):

Labcorp Genetics (formerly Invitae), Labcorp
Classification: Likely benign. Last evaluated: 2026-01-24. Review status: criteria provided, single submitter. Criteria: Invitae Variant Classification Sherloc (09022015). Collection method: clinical testing. Allele origin: germline.

Blueprint Genetics
Classification: Likely benign. Last evaluated: 2024-08-20. Review status: criteria provided, single submitter. Criteria: ACMG Guidelines, 2015. Collection method: clinical testing. Allele origin: germline.

Breakthrough Genomics
Classification: Likely benign. Review status: criteria provided, single submitter. Criteria: ACMG Guidelines, 2015. Collection method: not provided. Allele origin: germline. Inheritance: Autosomal recessive inheritance. Affected: yes.

PreventionGenetics, part of Exact Sciences
Classification: Benign for COL17A1-related condition. Last evaluated: 2019-10-30. Review status: no assertion criteria provided. Collection method: clinical testing. Allele origin: germline. Not counted in ClinVar's aggregate classification.
Comment: This variant is classified as benign based on ACMG/AMP sequence variant interpretation guidelines (Richards et al. 2015 PMID: 25741868, with internal and published modifications).

NM_000494.4(COL17A1):c.1687+6A>G

Gene: COL17A1 (collagen type XVII alpha 1 chain; minus strand). Cytogenetic location: 10q25.1.
Variant type: single nucleotide variant.
Coding change: c.1687+6A>G on transcript NM_000494.4 (MANE Select); 6 bases into the intron after coding-DNA position 1687, A replaced by G.
Molecular consequence: intron variant.
Genome position (GRCh38, 1-based): chr10:104,055,776, T>C on the plus strand (A>G on the coding strand, the complement: COL17A1 is on the minus strand). VCF-style: chr10-104055776-T-C. GRCh37 (hg19) VCF-style: chr10-105815534-T-C.
Identifiers: ClinVar variation 725603 (VCV000725603.11), dbSNP rs75841535, ClinGen allele CA5678959.